The following is an entry in ClinVar:

ClinVar aggregate classification (germline): Pathogenic (1 of 4 stars; one submission).

Conditions:
Neurofibromatosis, type 1 (NF1). Also called: NEUROFIBROMATOSIS, TYPE I, SOMATIC; VON RECKLINGHAUSEN DISEASE; Peripheral type neurofibromatosis; Neurofibromatosis, type I. Identifiers: Orphanet 636, MedGen C0027831, MONDO:0018975, OMIM 162200. Disease mechanism: loss of function.

Submission:

Labcorp Genetics (formerly Invitae), Labcorp
Classification: Pathogenic for Neurofibromatosis, type 1. Last evaluated: 2023-10-04. Review status: criteria provided, single submitter. Criteria: Invitae Variant Classification Sherloc (09022015). Collection method: clinical testing. Allele origin: germline.
Comment: This sequence change creates a premature translational stop signal (p.Asn916Metfs*8) in the NF1 gene. It is expected to result in an absent or disrupted protein product. Loss-of-function variants in NF1 are known to be pathogenic (PMID: 10712197, 23913538). This variant is not present in population databases (gnomAD no frequency). This variant has not been reported in the literature in individuals affected with NF1-related conditions. ClinVar contains an entry for this variant (Variation ID: 2051109). For these reasons, this variant has been classified as Pathogenic.

Literature cited by the submitters: PubMed 10712197; PubMed 23913538.

NM_001042492.3(NF1):c.2747del (p.Asn916fs)

Gene: NF1 (neurofibromin 1; plus strand). Cytogenetic location: 17q11.2.
Variant type: Deletion.
Coding change: c.2747del on transcript NM_001042492.3 (MANE Select); coding-DNA position 2747, one base deleted (A; older notation c.2747delA).
Protein change: p.Asn916fs; shifts the reading frame from asparagine 916.
Molecular consequence: frameshift variant.
Genome position (GRCh38, 1-based): chr17:31,229,362, A deleted; the last of 2 consecutive A bases (chr17:31,229,361-31,229,362); deleting either gives the same sequence. VCF-style (leftmost placement, unchanged base first): chr17-31229360-CA-C. GRCh37 (hg19) VCF-style: chr17-29556378-CA-C.
Other names: c.2747delA, p.Asn916Metfs (NM_000267.4); short protein forms N916fs.
Identifiers: ClinVar variation 2051109 (VCV002051109.4), dbSNP rs2508187935, ClinGen allele CA2580093373.
Genomic context (GRCh38, chr17:31,229,360, plus strand): 5'-GGATCGGCTGTTGTCCTTAATGGTGTGTAACCATGAGAAAGTGGGACTTCAAATACGGAC[CA>C]ATGTTAAGGATCTGGTGGGTCTAGAATTGAGTCCTGCTCTGTATCCAATGCTATTTAACA-3'